The following is an entry in ClinVar:

ClinVar aggregate classification (germline): Pathogenic/Likely pathogenic. Review status: criteria provided, multiple submitters, no conflicts (2 of 4 stars). 3 submissions from 3 submitters: Pathogenic (1); Likely pathogenic (2). Last evaluated 2023-02-03.

Conditions:
Joubert syndrome. Also called: Familial aplasia of the vermis; JOUBERT-BOLTSHAUSER SYNDROME. Identifiers: Orphanet 475, MedGen C5979921, MONDO:0018772.
Meckel-Gruber syndrome. Also called: GRUBER SYNDROME; Dysencephalia splachnocystica; DYSENCEPHALIA SPLANCHNOCYSTICA. Identifiers: Orphanet 564, MedGen C0265215, MONDO:0018921.
Multiple renal cysts. Identifiers: MedGen C0431718, HP:0005562.
Enlarged kidney. Identifiers: MedGen C0542518, HP:0000105.
Anhydramnios. Identifiers: MedGen C0730379, HP:0025700.
TMEM67-related disorder. Also called: TMEM67-related disorders; TMEM67-related condition. Identifiers: MedGen CN239423.

Submissions (3):

Labcorp Genetics (formerly Invitae), Labcorp
Classification: Pathogenic for Joubert syndrome; Meckel-Gruber syndrome. Last evaluated: 2023-02-03. Review status: criteria provided, single submitter. Criteria: Invitae Variant Classification Sherloc (09022015). Collection method: clinical testing. Allele origin: germline.
Comment: This sequence change creates a premature translational stop signal (p.Ala661Serfs*5) in the TMEM67 gene. It is expected to result in an absent or disrupted protein product. Loss-of-function variants in TMEM67 are known to be pathogenic (PMID: 20232449, 23559409). This variant is present in population databases (no rsID available, gnomAD no frequency). This premature translational stop signal has been observed in individual(s) with clinical features of TMEM67-related conditions (PMID: 35005812). For these reasons, this variant has been classified as Pathogenic.

Blueprint Genetics
Classification: Likely pathogenic for TMEM67-related disorders. Last evaluated: 2022-02-15. Review status: criteria provided, single submitter. Criteria: ACMG Guidelines, 2015. Collection method: clinical testing. Allele origin: germline. Affected: yes. Observed: 1 variant allele.

Molecular Genetics laboratory, Necker Hospital
Classification: Likely pathogenic for Anhydramnios; Multiple renal cysts; Enlarged kidney. Last evaluated: 2021-12-15. Review status: criteria provided, single submitter. Criteria: ACMG Guidelines, 2015. Collection method: clinical testing. Allele origin: paternal. Affected: yes.

Literature cited by the submitters: PubMed 20232449 (cited by Labcorp Genetics (formerly Invitae), Labcorp); PubMed 23559409 (cited by Labcorp Genetics (formerly Invitae), Labcorp); PubMed 35005812 (cited by Labcorp Genetics (formerly Invitae), Labcorp and Molecular Genetics laboratory, Necker Hospital).

NM_153704.6(TMEM67):c.1981_1982delinsT (p.Ala661fs)

Gene: TMEM67 (transmembrane protein 67; plus strand). Cytogenetic location: 8q22.1.
Variant type: Indel.
Coding change: c.1981_1982delinsT on transcript NM_153704.6 (MANE Select); coding-DNA positions 1981 to 1982, GC replaced by T.
Protein change: p.Ala661fs; shifts the reading frame from alanine 661.
Molecular consequence: frameshift variant. On other transcripts: non-coding transcript variant (1).
Genome position (GRCh38, 1-based): chr8:93,797,351-93,797,352, GC replaced by T. VCF-style: chr8-93797351-GC-T. GRCh37 (hg19) VCF-style: chr8-94809579-GC-T.
Other names: c.1738_1739delinsT, p.Ala580fs (NM_001142301.1); short protein forms A580fs, A661fs.
Identifiers: ClinVar variation 1328424 (VCV001328424.4), dbSNP rs2130735328, ClinGen allele CA2573053065.